The following is an entry in ClinVar:

NM_198489.3(CENATAC):c.815A>G (p.Gln272Arg)

Gene: CENATAC (centrosomal AT-AC splicing factor; plus strand). Cytogenetic location: 11q23.3.
Variant type: single nucleotide variant.
Coding change: c.815A>G on transcript NM_198489.3 (MANE Select); coding-DNA position 815, A replaced by G.
Protein change: p.Gln272Arg; replaces glutamine 272 with arginine.
Molecular consequence: missense variant. On other transcripts: non-coding transcript variant (3).
Genome position (GRCh38, 1-based): chr11:119,015,316, A>G. VCF-style: chr11-119015316-A-G. GRCh37 (hg19) VCF-style: chr11-118886026-A-G.
Other names: short protein forms Q272R.
Identifiers: ClinVar variation 92038 (VCV000092038.2), dbSNP rs386352288, ClinGen allele CA232401.
Genomic context (GRCh38, chr11:119,015,316, plus strand): 5'-TCTCTATATTCTTCAATAAAGAAAAATAAAAGTTTCCCTATCATTGTACAGAGGAAAAAC[A>G]GAAGTTGAAAAAACTCCCCCCAGACCGAGTTGGGGCCAACTTTGATCACAGCTCCAGGAC-3'
Protein context (NP_940891.1, residues 262-282): YEEFLKEKEK[Gln272Arg]KLKKLPPDRV

ClinVar aggregate classification (germline): Uncertain significance (0 of 4 stars; one submission).

Submission:

Richard Lifton Laboratory, Yale University School of Medicine
Classification: Uncertain significance. Review status: no assertion criteria provided. Collection method: not provided. Allele origin: somatic.
Comment: CCDC84
ClinVar note: Converted during submission from unknown to Uncertain significance.